The following is an entry in ClinVar:

NM_020778.5(ALPK3):c.4765C>T (p.Leu1589Phe)

Gene: ALPK3 (alpha kinase 3; plus strand). Cytogenetic location: 15q25.3.
Variant type: single nucleotide variant.
Coding change: c.4765C>T on transcript NM_020778.5 (MANE Select); coding-DNA position 4765, C replaced by T.
Protein change: p.Leu1589Phe; replaces leucine 1589 with phenylalanine.
Molecular consequence: missense variant.
Genome position (GRCh38, 1-based): chr15:84,867,358, C>T. VCF-style: chr15-84867358-C-T. GRCh37 (hg19) VCF-style: chr15-85410589-C-T.
Other names: short protein forms L1589F.
Identifiers: ClinVar variation 1520535 (VCV001520535.13), dbSNP rs1012634268, ClinGen allele CA273634761.
Genomic context (GRCh38, chr15:84,867,358, plus strand): 5'-CAACTTTCTCTCTTTTCAGGGGTTGACTGGAAGATGACTGATGTGCAGATTGCTACCAAA[C>T]TCCGAGGGTGAGTGGTTCTTGGGGACAGAATGCCCTCTGGGCGTCTTCTCAGGGTGTAAA-3'
Protein context (NP_065829.4, residues 1579-1599): KMTDVQIATK[Leu1589Phe]RGYQGLKESC

ClinVar aggregate classification (germline): Conflicting classifications of pathogenicity. Review status: criteria provided, conflicting classifications (1 of 4 stars). 4 submissions from 4 submitters: Uncertain significance (3); Likely benign (1). Last evaluated 2026-05-27.

Conditions:
ALPK3-related disorder. Also called: ALPK3-related condition.
Cardiovascular phenotype. Identifiers: MedGen CN230736.

Allele frequency attached by ClinVar (database versions not stated): gnomAD exomes 0.00001; TOPMed 0.00010; gnomAD 0.00014 and 0.00016.
gnomAD v4.1: 31 of 1,613,914 alleles (0.0019%); highest among the groups gnomAD compares: African/African-American, 0.039%; no homozygotes.

Submissions (4):

GeneDx
Classification: Uncertain significance. Last evaluated: 2026-05-27. Review status: criteria provided, single submitter. Criteria: GeneDx Variant Classification Process June 2021. Collection method: clinical testing. Allele origin: germline.
Comment: Has not been previously published as pathogenic or benign to our knowledge; In silico analysis suggests that this missense variant does not alter protein structure/function

Labcorp Genetics (formerly Invitae), Labcorp
Classification: Uncertain significance. Last evaluated: 2025-10-17. Review status: criteria provided, single submitter. Criteria: Invitae Variant Classification Sherloc (09022015). Collection method: clinical testing. Allele origin: germline.
Comment: This sequence change replaces leucine, which is neutral and non-polar, with phenylalanine, which is neutral and non-polar, at codon 1791 of the ALPK3 protein (p.Leu1791Phe). This variant is present in population databases (no rsID available, gnomAD 0.02%). This variant has not been reported in the literature in individuals affected with ALPK3-related conditions. ClinVar contains an entry for this variant (Variation ID: 1520535). Invitae Evidence Modeling of protein sequence and biophysical properties (such as structural, functional, and spatial information, amino acid conservation, physicochemical variation, residue mobility, and thermodynamic stability) indicates that this missense variant is expected to disrupt ALPK3 protein function with a positive predictive value of 80%. In summary, the available evidence is currently insufficient to determine the role of this variant in disease. Therefore, it has been classified as a Variant of Uncertain Significance.

PreventionGenetics, part of Exact Sciences
Classification: Uncertain significance for ALPK3-related condition. Last evaluated: 2025-09-01. Review status: criteria provided, single submitter. Criteria: ACMG Guidelines, 2015. Collection method: clinical testing. Allele origin: germline.
Comment: The ALPK3 c.5371C>T variant is predicted to result in the amino acid substitution p.Leu1791Phe. To our knowledge, this variant has not been reported in the literature. This variant is reported in 0.024% of alleles in individuals of African descent in gnomAD. At this time, the clinical significance of this variant is uncertain due to the absence of conclusive functional and genetic evidence.

Ambry Genetics
Classification: Likely benign for Cardiovascular phenotype. Last evaluated: 2025-02-18. Review status: criteria provided, single submitter. Criteria: Ambry Variant Classification Scheme 2023. Collection method: clinical testing. Allele origin: germline.